The following is an entry in ClinVar:

NM_000404.4(GLB1):c.1733A>G (p.Lys578Arg)

Gene: GLB1 (galactosidase beta 1; minus strand). Cytogenetic location: 3p22.3.
Variant type: single nucleotide variant.
Coding change: c.1733A>G on transcript NM_000404.4 (MANE Select); coding-DNA position 1733, A replaced by G.
Protein change: p.Lys578Arg; replaces lysine 578 with arginine.
Molecular consequence: missense variant.
Genome position (GRCh38, 1-based): chr3:33,014,057, T>C on the plus strand (A>G on the coding strand, the complement: GLB1 is on the minus strand). VCF-style: chr3-33014057-T-C. GRCh37 (hg19) VCF-style: chr3-33055549-T-C.
Other names: c.1733A>G (NM_000404.3); c.1643A>G, p.Lys548Arg (NM_001079811.3); c.1340A>G, p.Lys447Arg (NM_001135602.3); c.1877A>G, p.Lys626Arg (NM_001317040.2); c.1733A>G, p.Lys578Arg (NM_001393580.1); short protein forms K578R, K548R, K626R, K447R.
Identifiers: ClinVar variation 252985 (VCV000252985.62), dbSNP rs371582179, ClinGen allele CA2299321.

ClinVar aggregate classification (germline): Pathogenic/Likely pathogenic. Review status: criteria provided, multiple submitters, no conflicts (2 of 4 stars). 11 submissions from 11 submitters: Pathogenic (9); Likely pathogenic (1). 1 of the submissions does not count toward it. Last evaluated 2026-06-01.

Conditions:
GLB1-related disorder. Also called: GLB1-related disorders. Identifiers: MedGen CN377807.
GM1 gangliosidosis. Identifiers: Orphanet 354, MedGen C0085131, MONDO:0018149.
Mucopolysaccharidosis, MPS-IV-B (MPS4B). Also called: Mucopolysaccharidosis type 4B; Mucopolysaccharidosis type IVB (Morquio); MPS IVB; MORQUIO SYNDROME B; Mucopolysaccharidosis type IV B; Mucopolysaccharidosis Type IVB. Identifiers: Orphanet 309310, Orphanet 582, MedGen C0086652, MONDO:0009660, OMIM 253010.
Infantile GM1 gangliosidosis. Also called: GM1-gangliosidosis, type I; Gangliosidosis, generalized GM1, infantile form; GLB1 deficiency; GM1 gangliosidosis type 1; Gangliosidosis, Generalized GM1, Type 1. Identifiers: Orphanet 354, Orphanet 79255, MedGen C0268271, MONDO:0009260, OMIM 230500.
GM1 gangliosidosis type 3. Also called: GM1-GANGLIOSIDOSIS, TYPE III; GANGLIOSIDOSIS, GENERALIZED GM1, ADULT TYPE; GANGLIOSIDOSIS, GENERALIZED GM1, CHRONIC TYPE; GANGLIOSIDOSIS, GENERALIZED GM1, TYPE III; Beta-galactosidase deficiency; Adult GM1 gangliosidosis. Identifiers: Orphanet 79257, MedGen C0268273, MONDO:0009262, OMIM 230650.
GM1 gangliosidosis type 2. Also called: GM1-GANGLIOSIDOSIS, TYPE II; GANGLIOSIDOSIS, GENERALIZED GM1, JUVENILE TYPE; GANGLIOSIDOSIS, GENERALIZED GM1, TYPE II; Juvenile GM>1< gangliosidosis; Gangliosidosis, Generalized GM1, Type 2. Identifiers: Orphanet 354, Orphanet 79256, MedGen C0268272, MONDO:0009261, OMIM 230600.
Inborn genetic diseases. Identifiers: MedGen C0950123, MeSH D030342.

Allele frequency attached by ClinVar (database versions not stated): ExAC 0.00003; gnomAD exomes 0.00004 and 0.00012; gnomAD 0.00006; ESP Exome Variant Server 0.00008; TOPMed 0.00009.
gnomAD v4.1: 183 of 1,614,076 alleles (0.011%); highest among the groups gnomAD compares: Non-Finnish European, 0.015%; no homozygotes.

Submissions (11):

PreventionGenetics, part of Exact Sciences
Classification: Pathogenic for GLB1-related condition. Last evaluated: 2026-06-01. Review status: criteria provided, single submitter. Criteria: ACMG Guidelines, 2015. Collection method: clinical testing. Allele origin: germline.
Comment: The GLB1 c.1733A>G variant is predicted to result in the amino acid substitution p.Lys578Arg. This variant has been reported in the homozygous state and with other GLB1 variants in multiple individuals with GM1-gangliosidosis (referred to as Lys577Arg, Boustany et al. 1993. PubMed ID: 8213816; Bowling et al. 2017. PubMed ID: 28554332; Jarnes Utz et al. 2017. PubMed ID: 28476546; Arash-Kaps et al. 2019. PubMed ID: 31761138; Tebani et al. 2022. PubMed ID: 33737400). In a patient with GM1-gangliosidosis who carried this variant in homozygous state, the patient's cultured fibroblasts exhibited approximately 2% residual GLB1 enzyme activity (Patient 15, Caciotti et al. 2011. PubMed ID: 21497194). In vitro experimental studies using COS-1 cell expression system suggest this variant results in significant reduction of catalytic activity (as W in Figure 4, Boustany et al. 1993. PubMed ID: 8213816). Of note, a different variant impacting the same amino acid (p.Lys578Asn) has also been reported in patients with gangliosidosis (Feng et al. 2018. PubMed ID: 30267299; Kumar et al. 2019. PubMed ID: 31731261). This variant is reported in 0.0072% of alleles in individuals of European (Non-Finnish) descent in gnomAD. This variant is interpreted as pathogenic.

Natera, Inc.
Classification: Pathogenic for Mucopolysaccharidosis, MPS-IV-B. Last evaluated: 2025-11-17. Review status: criteria provided, single submitter. Criteria: Natera Variant Classification Schema (03/2026). Collection method: clinical testing. Allele origin: germline.
Comment: The c.1733A>G variant in GLB1 is a missense variant predicted to cause substitution of lysine to arginine at amino acid 578. This variant is rare in the general population with a frequency below the threshold expected for the associated phenotype(s). This variant has been observed in one or more individuals affected with the associated recessive disease, as either homozygous or compound heterozygous with a second variant (PMID: 8213816, 21497194, 28554332). Functional studies show that this variant may disrupt protein function (PMID: 21497194). Computational prediction algorithms indicate this variant is likely to affect gene or protein function. Given the available evidence, this variant is classified as Pathogenic.

Labcorp Genetics (formerly Invitae), Labcorp
Classification: Pathogenic for Mucopolysaccharidosis, MPS-IV-B; GM1 gangliosidosis. Last evaluated: 2025-10-15. Review status: criteria provided, single submitter. Criteria: Invitae Variant Classification Sherloc (09022015). Collection method: clinical testing. Allele origin: germline.
Comment: This sequence change replaces lysine, which is basic and polar, with arginine, which is basic and polar, at codon 578 of the GLB1 protein (p.Lys578Arg). This variant is present in population databases (rs371582179, gnomAD 0.007%). This missense change has been observed in individual(s) with GM1 gangliosidosis (PMID: 8213816, 21497194, 25557439). ClinVar contains an entry for this variant (Variation ID: 252985). An algorithm developed to predict the effect of missense changes on protein structure and function (PolyPhen-2) suggests that this variant is likely to be disruptive. Experimental studies have shown that this missense change affects GLB1 function (PMID: 8213816). This variant disrupts the p.Lys578 amino acid residue in GLB1. Other variant(s) that disrupt this residue have been observed in individuals with GLB1-related conditions (PMID: 30267299), which suggests that this may be a clinically significant amino acid residue. For these reasons, this variant has been classified as Pathogenic.

Revvity Omics, Revvity
Classification: Pathogenic. Last evaluated: 2025-01-16. Review status: criteria provided, single submitter. Criteria: ACMG Guidelines, 2015. Collection method: clinical testing. Allele origin: germline.

Women's Health and Genetics/Laboratory Corporation of America, LabCorp
Classification: Pathogenic for GM1 gangliosidosis. Last evaluated: 2024-08-13. Review status: criteria provided, single submitter. Criteria: LabCorp Variant Classification Summary - May 2015. Collection method: clinical testing. Allele origin: germline.
Comment: Variant summary: GLB1 c.1733A>G (p.Lys578Arg) results in a conservative amino acid change located in the Beta-galactosidase jelly roll domain (IPR025300) of the encoded protein sequence. Four of five in-silico tools predict a damaging effect of the variant on protein function. The variant allele was found at a frequency of 3.6e-05 in 247460 control chromosomes. c.1733A>G has been reported in the literature in multiple individuals affected with infantile and late-infantile/juvenile GM1 gangliosidosis (Boustany_1993, Caciotti_2011, Nestrasil_2018). These data indicate that the variant is very likely to be associated with disease. At least one publication reports experimental evidence evaluating an impact on protein function. The most pronounced variant effect results in <10% of normal activity (Caciotti_2011). The following publications have been ascertained in the context of this evaluation (PMID: 8213816, 21497194, 29352662). ClinVar contains an entry for this variant (Variation ID: 252985). Based on the evidence outlined above, the variant was classified as pathogenic.

Blueprint Genetics
Classification: Pathogenic for GLB1-related disorders. Last evaluated: 2023-09-15. Review status: criteria provided, single submitter. Criteria: ACMG Guidelines, 2015. Collection method: clinical testing. Allele origin: germline. Affected: yes. Observed: 5 variant alleles.

Ambry Genetics
Classification: Pathogenic for Inborn genetic diseases. Last evaluated: 2022-11-02. Review status: criteria provided, single submitter. Criteria: Ambry Variant Classification Scheme 2023. Collection method: clinical testing. Allele origin: germline.
Comment: The c.1733A>G (p.K578R) alteration is located in exon 15 (coding exon 15) of the GLB1 gene. This alteration results from a A to G substitution at nucleotide position 1733, causing the lysine (K) at amino acid position 578 to be replaced by an arginine (R). Based on data from gnomAD, the G allele has an overall frequency of 0.004% (9/247460) total alleles studied. The highest observed frequency was 0.007% (8/111208) of European (non-Finnish) alleles. This variant has been reported in the homozygous state, and in conjunction with a second variant in GLB1, in multiple individuals with GM1 gangliosidosis (Boustany, 1993; Caciotti, 2011; Utz, 2015; Jarnes Utz, 2017; Bowling, 2017; Nestrasil, 2018; Ou, 2019; Arash-Kaps, 2019; King, 2020; Tebani, 2022). This amino acid position is highly conserved in available vertebrate species. In vitro studies have demonstrated that this alteration has reduced enzymatic activity (Boustany, 1993). This alteration is predicted to be deleterious by in silico analysis. Based on the available evidence, this alteration is classified as pathogenic.

CeGaT Center for Human Genetics Tuebingen
Classification: Pathogenic. Last evaluated: 2022-01-01. Review status: criteria provided, single submitter. Criteria: CeGaT Center For Human Genetics Tuebingen Variant Classification Criteria Version 2. Collection method: clinical testing. Allele origin: germline. Affected: yes. Observed: 3 variant alleles.

Fulgent Genetics
Classification: Likely pathogenic for Infantile GM1 gangliosidosis; GM1 gangliosidosis type 2; GM1 gangliosidosis type 3; Mucopolysaccharidosis, MPS-IV-B. Last evaluated: 2018-10-31. Review status: criteria provided, single submitter. Criteria: ACMG Guidelines, 2015. Collection method: clinical testing. Allele origin: unknown.

HudsonAlpha Institute for Biotechnology
Classification: Pathogenic for GM1 gangliosidosis type 2. Last evaluated: 2016-07-14. Review status: criteria provided, single submitter. Criteria: HA_assertions_20161101. Collection method: research. Allele origin: paternal. Affected: yes. Observed: 1 variant allele. Study: CSER-HudsonAlpha.

Counsyl
Classification: Likely pathogenic for Infantile GM1 gangliosidosis; GM1 gangliosidosis type 2; GM1 gangliosidosis type 3; Mucopolysaccharidosis, MPS-IV-B. Last evaluated: 2017-03-08. Review status: no assertion criteria provided. Collection method: clinical testing. Allele origin: unknown. Not counted in ClinVar's aggregate classification.

Literature cited by the submitters: PubMed 8213816 (cited by 5 submitters); PubMed 21497194 (cited by 5 submitters); PubMed 28554332 (cited by Natera, Inc. and Ambry Genetics); PubMed 25557439 (cited by 3 submitters); PubMed 30267299 (cited by Labcorp Genetics (formerly Invitae), Labcorp); PubMed 29352662 (cited by Women's Health and Genetics/Laboratory Corporation of America, LabCorp and Ambry Genetics); PubMed 28476546 (cited by Ambry Genetics); PubMed 31367523 (cited by Ambry Genetics); PubMed 31761138 (cited by Ambry Genetics); PubMed 33240792 (cited by Ambry Genetics); PubMed 33737400 (cited by Ambry Genetics); PubMed 21520340 (cited by Counsyl).